The following is an entry in ClinVar:

ClinVar aggregate classification (germline): Uncertain significance (1 of 4 stars; one submission).

gnomAD v4.1: 2 of 1,612,340 alleles (0.00012%); highest among the groups gnomAD compares: Non-Finnish European, 0.00017%; no homozygotes.

Submission:

Ambry Genetics
Classification: Uncertain significance. Last evaluated: 2025-03-22. Review status: criteria provided, single submitter. Criteria: Ambry Variant Classification Scheme 2023. Collection method: clinical testing. Allele origin: germline.
Comment: The p.G521R variant (also known as c.1561G>A), located in coding exon 12 of the RECQL gene, results from a G to A substitution at nucleotide position 1561. The glycine at codon 521 is replaced by arginine, an amino acid with dissimilar properties. This amino acid position is conserved. In addition, this alteration is predicted to be deleterious by in silico analysis. Based on the available evidence, the clinical significance of this variant remains unclear.

NM_002907.4(RECQL):c.1561G>A (p.Gly521Arg)

Gene: RECQL (RecQ like helicase; minus strand). Cytogenetic location: 12p12.1.
Variant type: single nucleotide variant.
Coding change: c.1561G>A on transcript NM_002907.4 (MANE Select); coding-DNA position 1561, G replaced by A.
Protein change: p.Gly521Arg; replaces glycine 521 with arginine.
Molecular consequence: missense variant.
Genome position (GRCh38, 1-based): chr12:21,471,534, C>T on the plus strand (G>A on the coding strand, the complement: RECQL is on the minus strand). VCF-style: chr12-21471534-C-T. GRCh37 (hg19) VCF-style: chr12-21624468-C-T.
Other names: c.1561G>A, p.Gly521Arg (NM_032941.3); short protein forms G521R.
Identifiers: ClinVar variation 3944193 (VCV003944193.1).